The following is an entry in ClinVar:

NM_002439.5(MSH3):c.874G>A (p.Val292Ile)

Gene: MSH3 (mutS homolog 3; plus strand). Cytogenetic location: 5q14.1.
Variant type: single nucleotide variant.
Coding change: c.874G>A on transcript NM_002439.5 (MANE Select); coding-DNA position 874, G replaced by A.
Protein change: p.Val292Ile; replaces valine 292 with isoleucine.
Molecular consequence: missense variant.
Genome position (GRCh38, 1-based): chr5:80,672,325, G>A. VCF-style: chr5-80672325-G-A. GRCh37 (hg19) VCF-style: chr5-79968144-G-A.
Other names: short protein forms V292I.
Identifiers: ClinVar variation 3874976 (VCV003874976.1).

ClinVar aggregate classification (germline): Uncertain significance (1 of 4 stars; one submission).

Conditions:
Hereditary cancer-predisposing syndrome. Also called: Tumor predisposition; Neoplastic Syndromes, Hereditary; Hereditary Cancer Syndrome; Hereditary neoplastic syndrome. Identifiers: Orphanet 140162, MedGen C0027672, MeSH D009386, MONDO:0015356.

Submission:

Ambry Genetics
Classification: Uncertain significance for Hereditary cancer-predisposing syndrome. Last evaluated: 2025-01-19. Review status: criteria provided, single submitter. Criteria: Ambry Variant Classification Scheme 2023. Collection method: clinical testing. Allele origin: germline.
Comment: The p.V292I variant (also known as c.874G>A), located in coding exon 5 of the MSH3 gene, results from a G to A substitution at nucleotide position 874. The valine at codon 292 is replaced by isoleucine, an amino acid with highly similar properties. This amino acid position is conserved. In addition, the in silico prediction for this alteration is inconclusive. Based on the available evidence, the clinical significance of this variant remains unclear.